The following is an entry in ClinVar:

NM_001367624.2(ZNF469):c.9382G>C (p.Gly3128Arg)

Gene: ZNF469 (zinc finger protein 469; plus strand). Cytogenetic location: 16q24.2.
Variant type: single nucleotide variant.
Coding change: c.9382G>C on transcript NM_001367624.2 (MANE Select); coding-DNA position 9382, G replaced by C.
Protein change: p.Gly3128Arg; replaces glycine 3128 with arginine.
Molecular consequence: missense variant.
Genome position (GRCh38, 1-based): chr16:88,436,852, G>C. VCF-style: chr16-88436852-G-C. GRCh37 (hg19) VCF-style: chr16-88503260-G-C.
Other names: NM_001127464.1:c.9298G>C; short protein forms G3128R.
Identifiers: ClinVar variation 1302710 (VCV001302710.3), dbSNP rs748808102, ClinGen allele CA8225428.

ClinVar aggregate classification (germline): Uncertain significance. Review status: criteria provided, multiple submitters, no conflicts (2 of 4 stars). 2 submissions from 2 submitters: Uncertain significance (2). Last evaluated 2026-07-09.

Conditions:
Cardiovascular phenotype. Identifiers: MedGen CN230736.

Allele frequency attached by ClinVar (database versions not stated): gnomAD exomes below 0.00001; TOPMed 0.00002.
gnomAD v4.1: 2 of 1,530,828 alleles (0.00013%); highest among the groups gnomAD compares: African/African-American, 0.0027%; no homozygotes.

Submissions (2):

Ambry Genetics
Classification: Uncertain significance for Cardiovascular phenotype. Last evaluated: 2026-07-09. Review status: criteria provided, single submitter. Criteria: Ambry Variant Classification Scheme 2023. Collection method: clinical testing. Allele origin: germline.
Comment: The p.G3100R variant (also known as c.9298G>C), located in coding exon 2 of the ZNF469 gene, results from a G to C substitution at nucleotide position 9298. The glycine at codon 3100 is replaced by arginine, an amino acid with dissimilar properties. This amino acid position is conserved. In addition, this alteration is predicted to be tolerated by in silico analysis. Based on the available evidence, the clinical significance of this variant remains unclear.

GeneDx
Classification: Uncertain significance. Last evaluated: 2019-05-24. Review status: criteria provided, single submitter. Criteria: GeneDx Variant Classification Process June 2021. Collection method: clinical testing. Allele origin: germline. Affected: yes.
Comment: Not observed in large population cohorts (Lek et al., 2016); In silico analysis, which includes protein predictors and evolutionary conservation, supports a deleterious effect; Has not been previously published as pathogenic or benign to our knowledge